The following is an entry in ClinVar:

NM_004973.4(JARID2):c.2874C>A (p.Asn958Lys)

Gene: JARID2 (jumonji and AT-rich interaction domain containing 2; plus strand). Cytogenetic location: 6p22.3.
Variant type: single nucleotide variant.
Coding change: c.2874C>A on transcript NM_004973.4 (MANE Select); coding-DNA position 2874, C replaced by A.
Protein change: p.Asn958Lys; replaces asparagine 958 with lysine.
Molecular consequence: missense variant.
Genome position (GRCh38, 1-based): chr6:15,511,323, C>A. VCF-style: chr6-15511323-C-A. GRCh37 (hg19) VCF-style: chr6-15511554-C-A.
Other names: c.2358C>A, p.Asn786Lys (NM_001267040.1); short protein forms N786K, N958K.
Identifiers: ClinVar variation 1723787 (VCV001723787.2), dbSNP rs1361302063, ClinGen allele CA362801790.
Genomic context (GRCh38, chr6:15,511,323, plus strand): 5'-TCTGCTTGTCTCTTGTGTCTCTCAATGACCCAGGTATTGCATTCCTGCTGAGGAGGAGAA[C>A]AAGCTGGAAGATGTGGTCCACACCCTGCTGCAAGCCAATGGCACCCCAGGGCTGCAGATG-3'
Protein context (NP_004964.2, residues 948-968): IWYCIPAEEE[Asn958Lys]KLEDVVHTLL

ClinVar aggregate classification (germline): Uncertain significance (1 of 4 stars; one submission).

Submission:

GeneDx
Classification: Uncertain significance. Last evaluated: 2022-05-11. Review status: criteria provided, single submitter. Criteria: GeneDx Variant Classification Process June 2021. Collection method: clinical testing. Allele origin: germline. Affected: yes.
Comment: Not observed at significant frequency in large population cohorts (gnomAD); In silico analysis supports that this missense variant does not alter protein structure/function; Has not been previously published as pathogenic or benign to our knowledge